The following is an entry in ClinVar:

ClinVar aggregate classification (germline): Uncertain significance (1 of 4 stars; one submission).

Conditions:
DICER1-related tumor predisposition. Also called: DICER1-related pleuropulmonary blastoma cancer predisposition syndrome; DICER1 syndrome. Identifiers: Orphanet 284343, MedGen C3839822, MONDO:0100216.

Submission:

Labcorp Genetics (formerly Invitae), Labcorp
Classification: Uncertain significance for DICER1-related tumor predisposition. Last evaluated: 2024-10-31. Review status: criteria provided, single submitter. Criteria: Invitae Variant Classification Sherloc (09022015). Collection method: clinical testing. Allele origin: germline.
Comment: This sequence change falls in intron 11 of the DICER1 gene. It does not directly change the encoded amino acid sequence of the DICER1 protein. It affects a nucleotide within the consensus splice site. This variant is not present in population databases (gnomAD no frequency). This variant has not been reported in the literature in individuals affected with DICER1-related conditions. ClinVar contains an entry for this variant (Variation ID: 648803). Variants that disrupt the consensus splice site are a relatively common cause of aberrant splicing (PMID: 17576681, 9536098). Algorithms developed to predict the effect of sequence changes on RNA splicing suggest that this variant is not likely to affect RNA splicing. In summary, the available evidence is currently insufficient to determine the role of this variant in disease. Therefore, it has been classified as a Variant of Uncertain Significance.

Literature cited by the submitters: PubMed 17576681; PubMed 9536098.

NM_177438.3(DICER1):c.1907+3del

Gene: DICER1 (dicer 1, ribonuclease III; minus strand). Cytogenetic location: 14q32.13.
Variant type: Deletion.
Coding change: c.1907+3del on transcript NM_177438.3 (MANE Select); 3 bases into the intron after coding-DNA position 1907, one base deleted (A; older notation c.1907+3delA).
Molecular consequence: intron variant.
Genome position (GRCh38, 1-based): chr14:95,115,664, T deleted on the plus strand (A on the coding strand, the reverse complement: DICER1 is on the minus strand). VCF-style (leftmost placement, unchanged base first): chr14-95115663-AT-A. GRCh37 (hg19) VCF-style: chr14-95582000-AT-A.
Other names: c.1907+3delA (NM_177438.2); c.1907+3del (NM_001291628.2, NM_030621.4, NM_001271282.3 and 1 more transcripts).
Identifiers: ClinVar variation 648803 (VCV000648803.9), dbSNP rs1595405642, ClinGen allele CA915946407.